The following is an entry in ClinVar:

ClinVar aggregate classification (germline): Uncertain significance. Review status: criteria provided, multiple submitters, no conflicts (2 of 4 stars). 2 submissions from 2 submitters: Uncertain significance (2). Last evaluated 2025-09-05.

Conditions:
Inborn genetic diseases. Identifiers: MedGen C0950123, MeSH D030342.
Multiple congenital anomalies-hypotonia-seizures syndrome 1 (MCAHS1). Also called: PIGN-CDG; Congenital disorder of glycosylation due to PIGN deficiency; GLYCOSYLPHOSPHATIDYLINOSITOL BIOSYNTHESIS DEFECT 3. Identifiers: Orphanet 280633, MedGen C3279775, MONDO:0013563, OMIM 614080.

Allele frequency attached by ClinVar (database versions not stated): ExAC 0.00001; gnomAD exomes 0.00002; gnomAD 0.00003 and 0.00004.
gnomAD v4.1: 24 of 1,607,438 alleles (0.0015%); highest among the groups gnomAD compares: Admixed American, 0.0067%; 1 homozygote.

Submissions (2):

Ambry Genetics
Classification: Uncertain significance for Inborn genetic diseases. Last evaluated: 2025-09-05. Review status: criteria provided, single submitter. Criteria: Ambry Variant Classification Scheme 2023. Collection method: clinical testing. Allele origin: germline.

Labcorp Genetics (formerly Invitae), Labcorp
Classification: Uncertain significance for Multiple congenital anomalies-hypotonia-seizures syndrome 1. Last evaluated: 2022-04-18. Review status: criteria provided, single submitter. Criteria: Invitae Variant Classification Sherloc (09022015). Collection method: clinical testing. Allele origin: germline.
Comment: This sequence change replaces valine, which is neutral and non-polar, with methionine, which is neutral and non-polar, at codon 735 of the PIGN protein (p.Val735Met). This variant is present in population databases (rs751485479, gnomAD 0.009%). This variant has not been reported in the literature in individuals affected with PIGN-related conditions. ClinVar contains an entry for this variant (Variation ID: 972118). Algorithms developed to predict the effect of missense changes on protein structure and function are either unavailable or do not agree on the potential impact of this missense change (SIFT: "Deleterious"; PolyPhen-2: "Benign"; Align-GVGD: "Class C0"). In summary, the available evidence is currently insufficient to determine the role of this variant in disease. Therefore, it has been classified as a Variant of Uncertain Significance.

NM_176787.5(PIGN):c.2203G>A (p.Val735Met)

Gene: PIGN (phosphatidylinositol glycan anchor biosynthesis class N; minus strand). Cytogenetic location: 18q21.33.
Variant type: single nucleotide variant.
Coding change: c.2203G>A on transcript NM_176787.5 (MANE Select); coding-DNA position 2203, G replaced by A.
Protein change: p.Val735Met; replaces valine 735 with methionine.
Molecular consequence: missense variant.
Genome position (GRCh38, 1-based): chr18:62,090,556, C>T on the plus strand (G>A on the coding strand, the complement: PIGN is on the minus strand). VCF-style: chr18-62090556-C-T. GRCh37 (hg19) VCF-style: chr18-59757789-C-T.
Other names: c.2203G>A, p.Val735Met (NM_012327.6); short protein forms V735M.
Identifiers: ClinVar variation 972118 (VCV000972118.8), dbSNP rs751485479, ClinGen allele CA8982040.
Genomic context (GRCh38, chr18:62,090,556, plus strand): 5'-CAGATTGTTGTAGAGTTTCTTGTTCTATGTTTATCCAGACAAACATCAAACAAGACAACA[C>T]TAGTGGAAAGAGAGCTTCATACCTAACAGGTGGGGAAAGGTAGAAATGAAAAGAAAAAAA-3'
Protein context (NP_789744.1, residues 725-745): STGYEALFPL[Val735Met]LSCLMFVWIN